The following is an entry in ClinVar:

ClinVar aggregate classification (germline): Uncertain significance. Review status: criteria provided, multiple submitters, no conflicts (2 of 4 stars). 2 submissions from 2 submitters: Uncertain significance (2). Last evaluated 2025-05-15.

Conditions:
Oxoglutaricaciduria. Identifiers: Orphanet 31, MedGen C2752074, MONDO:0008759, OMIM 203740.

Allele frequency attached by ClinVar (database versions not stated): gnomAD 0.00001; TOPMed 0.00001; ExAC 0.00002; gnomAD exomes 0.00002 and 0.00003.
gnomAD v4.1: 47 of 1,614,054 alleles (0.0029%); highest among the groups gnomAD compares: Middle Eastern, 0.016%; no homozygotes.

Submissions (2):

Ambry Genetics
Classification: Uncertain significance. Last evaluated: 2025-05-15. Review status: criteria provided, single submitter. Criteria: Ambry Variant Classification Scheme 2023. Collection method: clinical testing. Allele origin: germline.

Labcorp Genetics (formerly Invitae), Labcorp
Classification: Uncertain significance for Oxoglutaricaciduria. Last evaluated: 2018-06-19. Review status: criteria provided, single submitter. Criteria: Invitae Variant Classification Sherloc (09022015). Collection method: clinical testing. Allele origin: germline.
Comment: This variant is present in population databases (rs778217546, ExAC 0.006%). In summary, the available evidence is currently insufficient to determine the role of this variant in disease. Therefore, it has been classified as a Variant of Uncertain Significance. Algorithms developed to predict the effect of sequence changes on RNA splicing suggest that this variant may create or strengthen a splice site, but this prediction has not been confirmed by published transcriptional studies. Algorithms developed to predict the effect of missense changes on protein structure and function (SIFT, PolyPhen-2, Align-GVGD) all suggest that this variant is likely to be tolerated, but these predictions have not been confirmed by published functional studies and their clinical significance is uncertain. This variant has not been reported in the literature in individuals with OGDH-related disease. This sequence change replaces asparagine with serine at codon 709 of the OGDH protein (p.Asn709Ser). The asparagine residue is moderately conserved and there is a small physicochemical difference between asparagine and serine.

NM_002541.4(OGDH):c.2126A>G (p.Asn709Ser)

Gene: OGDH (oxoglutarate dehydrogenase; plus strand). Cytogenetic location: 7p13.
Variant type: single nucleotide variant.
Coding change: c.2126A>G on transcript NM_002541.4 (MANE Select); coding-DNA position 2126, A replaced by G.
Protein change: p.Asn709Ser; replaces asparagine 709 with serine.
Molecular consequence: missense variant.
Genome position (GRCh38, 1-based): chr7:44,697,444, A>G. VCF-style: chr7-44697444-A-G. GRCh37 (hg19) VCF-style: chr7-44737043-A-G.
Other names: c.2114A>G, p.Asn705Ser (NM_001165036.2); c.2159A>G, p.Asn720Ser (NM_001363523.2); c.2126A>G (NM_002541.3); short protein forms N705S, N709S, N720S.
Identifiers: ClinVar variation 1020921 (VCV001020921.10), dbSNP rs778217546, ClinGen allele CA4244025.